The following is an entry in ClinVar:

NM_003054.6(SLC18A2):c.282del (p.Asp95fs)

Gene: SLC18A2 (solute carrier family 18 member A2; plus strand). Cytogenetic location: 10q25.3.
Variant type: Deletion.
Coding change: c.282del on transcript NM_003054.6 (MANE Select); coding-DNA position 282, one base deleted (A; older notation c.282delA).
Protein change: p.Asp95fs; shifts the reading frame from aspartic acid 95.
Molecular consequence: frameshift variant.
Genome position (GRCh38, 1-based): chr10:117,244,131, A deleted. VCF-style (leftmost placement, unchanged base first): chr10-117244130-GA-G. GRCh37 (hg19) VCF-style: chr10-119003641-GA-G.
Other names: short protein forms D95fs.
Identifiers: ClinVar variation 4851593 (VCV004851593.1).
Genomic context (GRCh38, chr10:117,244,130, plus strand): 5'-GCTTCCAGAGCATCTTCTCCTATTATGATAACTCGACTATGGTCACCGGGAATGCTACCA[GA>G]GACCTGACACTTCATCAGACCGCCACACAGCACATGGTGACCAACGCGTCCGCTGTTCCT-3'

ClinVar aggregate classification (germline): Pathogenic (1 of 4 stars; one submission).

Conditions:
Brain dopamine-serotonin vesicular transport disease (PKDYS2). Also called: PARKINSONISM-DYSTONIA, INFANTILE, 2; PARKINSONISM-DYSTONIA 2, INFANTILE-ONSET; BRAIN MONOAMINE VESICULAR TRANSPORT DISEASE. Identifiers: Orphanet 352649, MedGen C4303546, MONDO:0018130, OMIM 618049.

Submission:

CGC Genetics, Unilabs
Classification: Pathogenic for Brain dopamine-serotonin vesicular transport disease. Last evaluated: 2025-11-12. Review status: criteria provided, single submitter. Criteria: ACMG Guidelines, 2015. Collection method: clinical testing. Allele origin: germline. Inheritance: Autosomal recessive inheritance. Affected: yes. Observed: 1 variant allele.
Comment: The NM_003054.6:c.282del p.(Asp95Thrfs*2) variant, detected in probable homozygosity in the exon 3 (of 16) of the SLC18A2 gene (chr.10) is not described in the literature nor in ClinVar and gnomAD databases. Due to its nature, a frameshift variant, it is predicted to introduce a premature stop codon, which leads to the creation of a truncated protein and/or a reduction of its expression by mRNA degradation. With the available information, this should be classified as a pathogenic variant.